The following is an entry in ClinVar:

ClinVar aggregate classification (germline): Likely benign (0 of 4 stars; one submission).

Conditions:
SH2B1-related disorder. Also called: SH2B1-related condition.

Submission:

PreventionGenetics, part of Exact Sciences
Classification: Likely benign for SH2B1-related condition. Last evaluated: 2020-07-21. Review status: no assertion criteria provided. Collection method: clinical testing. Allele origin: germline.
Comment: This variant is classified as likely benign based on ACMG/AMP sequence variant interpretation guidelines (Richards et al. 2015 PMID: 25741868, with internal and published modifications).

NM_001387430.1(SH2B1):c.51G>A (p.Pro17=)

Gene: SH2B1 (SH2B adaptor protein 1; plus strand). Cytogenetic location: 16p11.2.
Variant type: single nucleotide variant.
Coding change: c.51G>A on transcript NM_001387430.1 (MANE Select); coding-DNA position 51, G replaced by A.
Protein change: p.Pro17=; no amino-acid change (proline 17 retained).
Molecular consequence: synonymous variant. On other transcripts: intron variant (1).
Genome position (GRCh38, 1-based): chr16:28,866,145, G>A. VCF-style: chr16-28866145-G-A. GRCh37 (hg19) VCF-style: chr16-28877466-G-A.
Other names: c.51G>A, p.Pro17= (NM_001145795.2, NM_001145796.2, NM_001145797.2 and 4 more transcripts); c.-26-1229G>A (NM_001308294.2).
Identifiers: ClinVar variation 3351386 (VCV003351386.1).